The following is an entry in ClinVar:

ClinVar aggregate classification (germline): Benign. Review status: criteria provided, multiple submitters, no conflicts (2 of 4 stars). 7 submissions from 6 submitters: Benign (7). Last evaluated 2026-01-24.

Conditions:
Retinitis pigmentosa (RP). Identifiers: Orphanet 791, MedGen C0035334, MeSH D012174, MONDO:0019200, OMIM 268000. Inheritance: Autosomal dominant, autosomal recessive and X linked inheritance.
Congenital stationary night blindness autosomal dominant 2. Also called: NIGHT BLINDNESS, CONGENITAL STATIONARY, RAMBUSCH TYPE. Identifiers: Orphanet 215, MedGen C1876182, MONDO:0008099, OMIM 163500.

Allele frequency attached by ClinVar (database versions not stated): gnomAD exomes 0.00226 and 0.00511; ExAC 0.00993; ESP Exome Variant Server 0.01635; gnomAD 0.02409 and 0.02568; 1000 Genomes Project 0.02456; 1000 Genomes Project 30x 0.02561; TOPMed 0.02752.
gnomAD v4.1: 6,997 of 1,580,466 alleles (0.44%); highest among the groups gnomAD compares: African/African-American, 8.4%; 262 homozygotes.

Submissions (7):

Labcorp Genetics (formerly Invitae), Labcorp
Classification: Benign. Last evaluated: 2026-01-24. Review status: criteria provided, single submitter. Criteria: Invitae Variant Classification Sherloc (09022015). Collection method: clinical testing. Allele origin: germline.

ARUP Laboratories, Molecular Genetics and Genomics, ARUP Laboratories
Classification: Benign. Last evaluated: 2023-10-11. Review status: criteria provided, single submitter. Criteria: ARUP Molecular Germline Variant Investigation Process 2024. Collection method: clinical testing. Allele origin: germline.

Illumina Laboratory Services, Illumina
Classification: Benign for Congenital stationary night blindness autosomal dominant 2. Last evaluated: 2018-01-13. Review status: criteria provided, single submitter. Criteria: ICSL Variant Classification Criteria 13 December 2019. Collection method: clinical testing. Allele origin: germline.
Comment: This variant was observed in the ICSL laboratory as part of a predisposition screen in an ostensibly healthy population. It had not been previously curated by ICSL or reported in the Human Gene Mutation Database (HGMD: prior to June 1st, 2018), and was therefore a candidate for classification through an automated scoring system. Utilizing variant allele frequency, disease prevalence and penetrance estimates, and inheritance mode, an automated score was calculated to assess if this variant is too frequent to cause the disease. Based on the score and internal cut-off values, a variant classified as benign is not then subjected to further curation. The score for this variant resulted in a classification of benign for this disease.

Illumina Laboratory Services, Illumina
Classification: Benign for Retinitis pigmentosa. Last evaluated: 2018-01-13. Review status: criteria provided, single submitter. Criteria: ICSL Variant Classification Criteria 13 December 2019. Collection method: clinical testing. Allele origin: germline.
Comment: the same text as in the submission from Illumina Laboratory Services, Illumina above.

GeneDx
Classification: Benign. Last evaluated: 2016-12-09. Review status: criteria provided, single submitter. Criteria: GeneDx Variant Classification (06012015). Collection method: clinical testing. Allele origin: germline. Affected: yes.
Comment: This variant is considered likely benign or benign based on one or more of the following criteria: it is a conservative change, it occurs at a poorly conserved position in the protein, it is predicted to be benign by multiple in silico algorithms, and/or has population frequency not consistent with disease.

Eurofins Ntd Llc (ga)
Classification: Benign. Last evaluated: 2015-07-28. Review status: criteria provided, single submitter. Criteria: EGL Classification Definitions 2015. Collection method: clinical testing. Allele origin: germline. Observed: 1 variant allele, 1 heterozygote.

Breakthrough Genomics
Classification: Benign. Review status: criteria provided, single submitter. Criteria: ACMG Guidelines, 2015. Collection method: not provided. Allele origin: germline. Inheritance: Autosomal recessive inheritance. Affected: yes.

NM_000283.4(PDE6B):c.373C>G (p.Pro125Ala)

Gene: PDE6B (phosphodiesterase 6B; plus strand). Cytogenetic location: 4p16.3.
Variant type: single nucleotide variant.
Coding change: c.373C>G on transcript NM_000283.4 (MANE Select); coding-DNA position 373, C replaced by G.
Protein change: p.Pro125Ala; replaces proline 125 with alanine.
Molecular consequence: missense variant.
Genome position (GRCh38, 1-based): chr4:625,999, C>G. VCF-style: chr4-625999-C-G. GRCh37 (hg19) VCF-style: chr4-619788-C-G.
Other names: c.373C>G, p.Pro125Ala (NM_001145291.2); short protein forms P125A.
Identifiers: ClinVar variation 281812 (VCV000281812.29), dbSNP rs28414606, ClinGen allele CA2793920.